The following is an entry in ClinVar:

ClinVar aggregate classification (germline): Uncertain significance (1 of 4 stars; one submission).

gnomAD v4.1: 32 of 1,614,180 alleles (0.002%); highest among the groups gnomAD compares: Non-Finnish European, 0.0027%; no homozygotes.

Submission:

Ambry Genetics
Classification: Uncertain significance. Last evaluated: 2024-06-04. Review status: criteria provided, single submitter. Criteria: Ambry Variant Classification Scheme 2023. Collection method: clinical testing. Allele origin: germline.
Comment: The p.Y121F variant (also known as c.362A>T), located in coding exon 5 of the RAD54L gene, results from an A to T substitution at nucleotide position 362. The tyrosine at codon 121 is replaced by phenylalanine, an amino acid with highly similar properties. This amino acid position is conserved. In addition, this alteration is predicted to be tolerated by in silico analysis. Since supporting evidence is limited at this time, the clinical significance of this alteration remains unclear.

NM_003579.4(RAD54L):c.362A>T (p.Tyr121Phe)

Gene: RAD54L (RAD54 like; plus strand). Cytogenetic location: 1p34.1.
Variant type: single nucleotide variant.
Coding change: c.362A>T on transcript NM_003579.4 (MANE Select); coding-DNA position 362, A replaced by T.
Protein change: p.Tyr121Phe; replaces tyrosine 121 with phenylalanine.
Molecular consequence: missense variant. On other transcripts: 5 prime UTR variant (1).
Genome position (GRCh38, 1-based): chr1:46,260,054, A>T. VCF-style: chr1-46260054-A-T. GRCh37 (hg19) VCF-style: chr1-46725726-A-T.
Other names: c.362A>T, p.Tyr121Phe (NM_001142548.2); c.-179A>T (NM_001370766.1); short protein forms Y121F.
Identifiers: ClinVar variation 1733388 (VCV001733388.3), dbSNP rs772165925, ClinGen allele CA21905712.